The following is an entry in ClinVar:

ClinVar aggregate classification (germline): Uncertain significance. Review status: criteria provided, multiple submitters, no conflicts (2 of 4 stars). 2 submissions from 2 submitters: Uncertain significance (2). Last evaluated 2025-11-03.

Conditions:
MHC class I deficiency. Identifiers: Orphanet 34592, MedGen C6024714, MONDO:0011476.

Allele frequency attached by ClinVar (database versions not stated): gnomAD 0.00001 and 0.00003; gnomAD exomes 0.00004 and 0.00003; ExAC 0.00005; TOPMed 0.00002; 1000 Genomes Project 0.00040; 1000 Genomes Project 30x 0.00047.
gnomAD v4.1: 50 of 1,612,680 alleles (0.0031%); highest among the groups gnomAD compares: Middle Eastern, 0.15%; no homozygotes.

Submissions (2):

Labcorp Genetics (formerly Invitae), Labcorp
Classification: Uncertain significance for MHC class I deficiency 1. Last evaluated: 2025-11-03. Review status: criteria provided, single submitter. Criteria: Invitae Variant Classification Sherloc (09022015). Collection method: clinical testing. Allele origin: germline.
Comment: This sequence change replaces serine, which is neutral and polar, with threonine, which is neutral and polar, at codon 753 of the TAP1 protein (p.Ser753Thr). This variant is present in population databases (rs192960052, gnomAD 0.009%). This variant has not been reported in the literature in individuals affected with TAP1-related conditions. ClinVar contains an entry for this variant (Variation ID: 1367179). An algorithm developed to predict the effect of missense changes on protein structure and function (PolyPhen-2) suggests that this variant is likely to be tolerated. In summary, the available evidence is currently insufficient to determine the role of this variant in disease. Therefore, it has been classified as a Variant of Uncertain Significance.

Breakthrough Genomics
Classification: Uncertain significance. Review status: criteria provided, single submitter. Criteria: ACMG Guidelines, 2015. Collection method: not provided. Allele origin: germline. Inheritance: Autosomal recessive inheritance. Affected: yes.

NM_000593.6(TAP1):c.2077T>A (p.Ser693Thr)

Genes: PSMB8-AS1 (PSMB8 antisense RNA 1; plus strand), TAP1 (transporter 1, ATP binding cassette subfamily B member; minus strand). Cytogenetic location: 6p21.32.
Variant type: single nucleotide variant.
Coding change: c.2077T>A on transcript NM_000593.6 (MANE Select); coding-DNA position 2077, T replaced by A.
Protein change: p.Ser693Thr; replaces serine 693 with threonine.
Molecular consequence: missense variant. On other transcripts: non-coding transcript variant (4).
Genome position (GRCh38, 1-based): chr6:32,845,749, A>T on the plus strand (T>A on the coding strand, the complement: TAP1 is on the minus strand). VCF-style: chr6-32845749-A-T. GRCh37 (hg19) VCF-style: chr6-32813526-A-T.
Other names: c.1474T>A, p.Ser492Thr (NM_001292022.2); short protein forms S492T, S693T.
Identifiers: ClinVar variation 1367179 (VCV001367179.5), dbSNP rs192960052, ClinGen allele CA3746581.
Genomic context (GRCh38, chr6:32,845,749, plus strand): 5'-GGATGTGGTCAGCCTGCTCCACCAGGCTGAGGTGCTGGGTGATGAGAAGCACTGAGCGGG[A>T]GTACCGCTCAGGGCTTTCGTACAGGAGCTGCTCCACCTGAGGAAAGACATCGGACCGTCA-3'
Protein context (NP_000584.3, residues 683-703): QLLYESPERY[Ser693Thr]RSVLLITQHL